The following is an entry in ClinVar:

ClinVar aggregate classification (germline): Uncertain significance (1 of 4 stars; one submission).

Conditions:
Primary ciliary dyskinesia. Also called: Ciliary dyskinesia. Identifiers: Orphanet 244, MedGen C0008780, MONDO:0016575, HP:0012265.

Submission:

Labcorp Genetics (formerly Invitae), Labcorp
Classification: Uncertain significance for Primary ciliary dyskinesia. Last evaluated: 2022-04-06. Review status: criteria provided, single submitter. Criteria: Invitae Variant Classification Sherloc (09022015). Collection method: clinical testing. Allele origin: germline.
Comment: In summary, the available evidence is currently insufficient to determine the role of this variant in disease. Therefore, it has been classified as a Variant of Uncertain Significance. Algorithms developed to predict the effect of missense changes on protein structure and function (SIFT, PolyPhen-2, Align-GVGD) all suggest that this variant is likely to be tolerated. This variant has not been reported in the literature in individuals affected with CCDC40-related conditions. This variant is not present in population databases (gnomAD no frequency). This sequence change replaces isoleucine, which is neutral and non-polar, with serine, which is neutral and polar, at codon 212 of the CCDC40 protein (p.Ile212Ser).

NM_017950.4(CCDC40):c.635T>G (p.Ile212Ser)

Gene: CCDC40 (coiled-coil domain 40 molecular ruler complex subunit; plus strand). Cytogenetic location: 17q25.3.
Variant type: single nucleotide variant.
Coding change: c.635T>G on transcript NM_017950.4 (MANE Select); coding-DNA position 635, T replaced by G.
Protein change: p.Ile212Ser; replaces isoleucine 212 with serine.
Molecular consequence: missense variant.
Genome position (GRCh38, 1-based): chr17:80,047,361, T>G. VCF-style: chr17-80047361-T-G. GRCh37 (hg19) VCF-style: chr17-78021160-T-G.
Other names: c.635T>G, p.Ile212Ser (NM_001243342.2, NM_001330508.2); short protein forms I212S.
Identifiers: ClinVar variation 2158965 (VCV002158965.4), dbSNP rs2510288276, ClinGen allele CA401352169.